The following is an entry in ClinVar:

NM_001077365.2(POMT1):c.1838G>T (p.Arg613Leu)

Gene: POMT1 (protein O-mannosyltransferase 1; plus strand). Cytogenetic location: 9q34.13.
Variant type: single nucleotide variant.
Coding change: c.1838G>T on transcript NM_001077365.2 (MANE Select); coding-DNA position 1838, G replaced by T.
Protein change: p.Arg613Leu; replaces arginine 613 with leucine.
Molecular consequence: missense variant. On other transcripts: non-coding transcript variant (10).
Genome position (GRCh38, 1-based): chr9:131,522,059, G>T. VCF-style: chr9-131522059-G-T. GRCh37 (hg19) VCF-style: chr9-134397446-G-T.
Other names: c.1676G>T, p.Arg559Leu (NM_001077366.2, NM_001353194.2); c.1838G>T, p.Arg613Leu (NM_001136113.2); c.1487G>T, p.Arg496Leu (NM_001136114.2, NM_001353195.2, NM_001374691.1 and 2 more transcripts); c.1904G>T, p.Arg635Leu (NM_001353193.2, NM_007171.4); c.1748G>T, p.Arg583Leu (NM_001353196.2); c.1742G>T, p.Arg581Leu (NM_001353197.2, NM_001353198.2); c.1553G>T, p.Arg518Leu (NM_001353199.2); c.1382G>T, p.Arg461Leu (NM_001353200.2); and 4 more; short protein forms R236L, R461L, R483L, R496L, R518L, R540L, R559L, R581L.
Identifiers: ClinVar variation 2420513 (VCV002420513.5), dbSNP rs147601415, ClinGen allele CA375314148.

ClinVar aggregate classification (germline): Uncertain significance (1 of 4 stars; one submission).

Conditions:
Walker-Warburg congenital muscular dystrophy. Also called: Muscular dystrophy-dystroglycanopathy, type A; Walker-Warburg syndrome. Identifiers: Orphanet 899, MedGen C0265221, MONDO:0000171.
Muscular dystrophy-dystroglycanopathy (congenital with impaired intellectual development), type B, 1. Also called: Muscular dystrophy-dystroglycanopathy (congenital with intellectual disability), type B1; MUSCULAR DYSTROPHY, CONGENITAL, POMT1-RELATED. Identifiers: MedGen C5436962, MONDO:0013159, OMIM 613155.
Autosomal recessive limb-girdle muscular dystrophy type 2K. Also called: MUSCULAR DYSTROPHY-DYSTROGLYCANOPATHY (LIMB-GIRDLE), TYPE C, 1; MUSCULAR DYSTROPHY, LIMB-GIRDLE, TYPE 2K. Identifiers: Orphanet 86812, MedGen C1836373, MONDO:0012248, OMIM 609308.

gnomAD v4.1: 1 of 1,614,060 alleles (0.000062%); highest among the groups gnomAD compares: African/African-American, 0.0013%; no homozygotes.

Submission:

Labcorp Genetics (formerly Invitae), Labcorp
Classification: Uncertain significance for Muscular dystrophy-dystroglycanopathy (congenital with impaired intellectual development), type B, 1; Walker-Warburg congenital muscular dystrophy; Autosomal recessive limb-girdle muscular dystrophy type 2K. Last evaluated: 2022-08-02. Review status: criteria provided, single submitter. Criteria: Invitae Variant Classification Sherloc (09022015). Collection method: clinical testing. Allele origin: germline.
Comment: This sequence change replaces arginine, which is basic and polar, with leucine, which is neutral and non-polar, at codon 635 of the POMT1 protein (p.Arg635Leu). This variant is not present in population databases (gnomAD no frequency). This variant has not been reported in the literature in individuals affected with POMT1-related conditions. Algorithms developed to predict the effect of missense changes on protein structure and function output the following: SIFT: "Tolerated"; PolyPhen-2: "Benign"; Align-GVGD: "Class C0". The leucine amino acid residue is found in multiple mammalian species, which suggests that this missense change does not adversely affect protein function. In summary, the available evidence is currently insufficient to determine the role of this variant in disease. Therefore, it has been classified as a Variant of Uncertain Significance.